The following is an entry in ClinVar:

NM_001370466.1(NOD2):c.1914G>T (p.Lys638Asn)

Gene: NOD2 (nucleotide binding oligomerization domain containing 2; plus strand). Cytogenetic location: 16q12.1.
Variant type: single nucleotide variant.
Coding change: c.1914G>T on transcript NM_001370466.1 (MANE Select); coding-DNA position 1914, G replaced by T.
Protein change: p.Lys638Asn; replaces lysine 638 with asparagine.
Molecular consequence: missense variant. On other transcripts: non-coding transcript variant (1).
Genome position (GRCh38, 1-based): chr16:50,711,906, G>T. VCF-style: chr16-50711906-G-T. GRCh37 (hg19) VCF-style: chr16-50745817-G-T.
Other names: c.1914G>T, p.Lys638Asn (NM_001293557.2); c.1995G>T, p.Lys665Asn (NM_022162.3); short protein forms K638N, K665N.
Identifiers: ClinVar variation 4789800 (VCV004789800.1).

ClinVar aggregate classification (germline): Uncertain significance (1 of 4 stars; one submission).

Conditions:
Regional enteritis. Also called: Enteritis, Granulomatous. Identifiers: MedGen C0678202, MeSH D003424.
Blau syndrome (BLAUS). Also called: ARTHROCUTANEOUVEAL GRANULOMATOSIS; GRANULOMATOSIS, FAMILIAL JUVENILE SYSTEMIC; GRANULOMATOSIS, FAMILIAL, BLAU TYPE; GRANULOMATOUS INFLAMMATORY ARTHRITIS, DERMATITIS, AND UVEITIS, FAMILIAL; JABS SYNDROME. Identifiers: Orphanet 90340, MedGen C5201146, MONDO:0008523, OMIM 186580.

Submission:

Labcorp Genetics (formerly Invitae), Labcorp
Classification: Uncertain significance for Regional enteritis; Blau syndrome. Last evaluated: 2025-02-06. Review status: criteria provided, single submitter. Criteria: Invitae Variant Classification Sherloc (09022015). Collection method: clinical testing. Allele origin: germline.
Comment: This sequence change replaces lysine, which is basic and polar, with asparagine, which is neutral and polar, at codon 665 of the NOD2 protein (p.Lys665Asn). This variant is not present in population databases (gnomAD no frequency). This variant has not been reported in the literature in individuals affected with NOD2-related conditions. Invitae Evidence Modeling of protein sequence and biophysical properties (such as structural, functional, and spatial information, amino acid conservation, physicochemical variation, residue mobility, and thermodynamic stability) indicates that this missense variant is not expected to disrupt NOD2 protein function with a negative predictive value of 95%. In summary, the available evidence is currently insufficient to determine the role of this variant in disease. Therefore, it has been classified as a Variant of Uncertain Significance.